The following is an entry in ClinVar:

NM_006231.4(POLE):c.7C>G (p.Leu3Val)

Genes: POLE (DNA polymerase epsilon, catalytic subunit; minus strand), LOC130009266 (ATAC-STARR-seq lymphoblastoid silent region 5123; plus strand). Cytogenetic location: 12q24.33.
Variant type: single nucleotide variant.
Coding change: c.7C>G on transcript NM_006231.4 (MANE Select); coding-DNA position 7, C replaced by G.
Protein change: p.Leu3Val; replaces leucine 3 with valine.
Molecular consequence: missense variant.
Genome position (GRCh38, 1-based): chr12:132,687,309, G>C on the plus strand (C>G on the coding strand, the complement: POLE is on the minus strand). VCF-style: chr12-132687309-G-C. GRCh37 (hg19) VCF-style: chr12-133263895-G-C.
Other names: short protein forms L3V.
Identifiers: ClinVar variation 473831 (VCV000473831.16), dbSNP rs1018143132, ClinGen allele CA246308283.
Genomic context (GRCh38, chr12:132,687,309, plus strand): 5'-CTCACCTGCTGGCCTCGCCATCCGCGCCTGGGTCCGCGCGCCGCCGCCCGCCGCTCCTCA[G>C]AGACATGGAGCCGTTGGCTACCACCTCTGCTTCAGGGGAGAAATTTGGCGCGCTCCCACC-3'
Protein context (NP_006222.2, residues 1-13): MS[Leu3Val]RSGGRRRADP

ClinVar aggregate classification (germline): Conflicting classifications of pathogenicity. Review status: criteria provided, conflicting classifications (1 of 4 stars). 4 submissions from 4 submitters: Uncertain significance (1); Likely benign (1). 2 of the submissions do not count toward it. Last evaluated 2025-12-17.

Conditions:
Hereditary cancer-predisposing syndrome. Also called: Neoplastic Syndromes, Hereditary; Tumor predisposition; Hereditary Cancer Syndrome; Hereditary neoplastic syndrome. Identifiers: Orphanet 140162, MedGen C0027672, MeSH D009386, MONDO:0015356.
Colorectal cancer, susceptibility to, 12 (CRCS12). Also called: COLORECTAL CANCER, SUSCEPTIBILITY TO, ON CHROMOSOME 12q24. Identifiers: Orphanet 220460, MedGen C3554460, MONDO:0014038, OMIM 615083.
POLE-related disorder. Also called: POLE-related disorders; POLE-related condition.

Allele frequency attached by ClinVar (database versions not stated): TOPMed 0.00001; gnomAD exomes 0.00002.
gnomAD v4.1: 14 of 1,503,484 alleles (0.00093%); highest among the groups gnomAD compares: East Asian, 0.032%; 1 homozygote.

Submissions (4):

Labcorp Genetics (formerly Invitae), Labcorp
Classification: Uncertain significance. Last evaluated: 2025-12-17. Review status: criteria provided, single submitter. Criteria: Invitae Variant Classification Sherloc (09022015). Collection method: clinical testing. Allele origin: germline.
Comment: This sequence change replaces leucine, which is neutral and non-polar, with valine, which is neutral and non-polar, at codon 3 of the POLE protein (p.Leu3Val). This variant is not present in population databases (gnomAD no frequency). This variant has not been reported in the literature in individuals affected with POLE-related conditions. ClinVar contains an entry for this variant (Variation ID: 473831). Experimental studies and prediction algorithms are not available or were not evaluated, and the functional significance of this variant is currently unknown. RNA analysis performed to evaluate the impact of this missense change on mRNA splicing indicates it does not significantly alter splicing (internal data). In summary, the available evidence is currently insufficient to determine the role of this variant in disease. Therefore, it has been classified as a Variant of Uncertain Significance.

Ambry Genetics
Classification: Likely benign for Hereditary cancer-predisposing syndrome. Last evaluated: 2024-12-29. Review status: criteria provided, single submitter. Criteria: Ambry Variant Classification Scheme 2023. Collection method: clinical testing. Allele origin: germline.

PreventionGenetics, part of Exact Sciences
Classification: Uncertain significance for POLE-related condition. Last evaluated: 2024-01-16. Review status: no assertion criteria provided. Collection method: clinical testing. Allele origin: germline. Not counted in ClinVar's aggregate classification.
Comment: The POLE c.7C>G variant is predicted to result in the amino acid substitution p.Leu3Val. To our knowledge, this variant has not been reported in the literature or in a large population database, indicating this variant is rare. In the ClinVar database, this variant is reported as a variant of uncertain significance. At this time, the clinical significance of this variant is uncertain due to the absence of conclusive functional and genetic evidence.

Counsyl
Classification: Uncertain significance for Colorectal cancer, susceptibility to, 12. Last evaluated: 2018-04-26. Review status: no assertion criteria provided. Collection method: clinical testing. Allele origin: unknown. Not counted in ClinVar's aggregate classification.